The following is an entry in ClinVar:

ClinVar aggregate classification (germline): Benign. Review status: reviewed by expert panel (3 of 4 stars). 17 submissions from 17 submitters: Benign (1). 16 of the submissions do not count toward it. Last evaluated 2015-08-10.

Conditions:
Hereditary cancer-predisposing syndrome. Also called: Tumor predisposition; Hereditary neoplastic syndrome; Hereditary Cancer Syndrome; Neoplastic Syndromes, Hereditary. Identifiers: Orphanet 140162, MedGen C0027672, MeSH D009386, MONDO:0015356.
Hereditary breast ovarian cancer syndrome. Also called: Hereditary breast and/or ovarian cancer syndrome; Breast and ovarian cancer; Hereditary breast and ovarian cancer syndrome; Hereditary breast and ovarian cancer; Hereditary breast and ovarian cancer syndrome (HBOC); BRCA1- and BRCA2-Associated Hereditary Breast and Ovarian Cancer. Identifiers: Orphanet 145, MedGen C0677776, MeSH D061325, MONDO:0003582. Disease mechanism: loss of function.
Breast-ovarian cancer, familial, susceptibility to, 1 (BROVCA1). Also called: BRCA1 Hereditary Breast and Ovarian Cancer; OVARIAN CANCER, SUSCEPTIBILITY TO. Identifiers: Orphanet 145, MedGen C2676676, MONDO:0011450, OMIM 604370. Disease mechanism: loss of function.
Malignant tumor of breast. Also called: Malignant breast neoplasm; Cancer breast. Identifiers: MedGen C0006142, MONDO:0007254. Disease mechanism: loss of function.

Allele frequency attached by ClinVar (database versions not stated): gnomAD exomes below 0.00001; gnomAD 0.00002; TOPMed 0.00002.
gnomAD v4.1: 7 of 1,608,798 alleles (0.00044%); highest among the groups gnomAD compares: East Asian, 0.0045%; no homozygotes.

Submissions (17):

Evidence-based Network for the Interpretation of Germline Mutant Alleles (ENIGMA)
Classification: Benign for Breast-ovarian cancer, familial 1. Last evaluated: 2015-08-10. Review status: reviewed by expert panel. Criteria: ENIGMA BRCA1/2 Classification Criteria (2015). Collection method: curation. Allele origin: germline.
Comment: IARC class based on posterior probability from multifactorial likelihood analysis, thresholds for class as per Plon et al. 2008 (PMID: 18951446). Class 1 based on posterior probability = 0.000542

Women's Health and Genetics/Laboratory Corporation of America, LabCorp
Classification: Likely benign. Last evaluated: 2026-02-18. Review status: criteria provided, single submitter. Criteria: LabCorp Variant Classification Summary - May 2015. Collection method: clinical testing. Allele origin: germline. Not counted in ClinVar's aggregate classification.
Comment: Variant summary: BRCA1 c.4097-11T>C alters a nucleotide located at a position not widely known to affect splicing. Consensus agreement among computation tools predict no significant impact on normal splicing. A study used mRNA extracted from patient derived lymphoblastoid cell lines (LCLs), and demonstrated that the variant caused no changes in mRNA splicing (Houdayer 2012). The variant allele was found at a frequency of 4.1e-06 in 241972 control chromosomes. The available data on variant occurrences in the general population are insufficient to allow any conclusion about variant significance. c.4097-11T>C has been reported in the literature in individuals affected with Hereditary Breast and Ovarian Cancer (e.g. Borg 2010, Judkins 2005). These report(s) do not provide unequivocal conclusions about association of the variant with Hereditary Breast And Ovarian Cancer Syndrome. To our knowledge, no experimental evidence demonstrating an impact on protein function has been reported. The following publications have been ascertained in the context of this evaluation (PMID: 20104584, 21520273, 17924331, 22505045, 16267036, 28726806, 29750258, 21990134, 21523855, 21218378, 32126153, 34235180). ClinVar contains an entry for this variant (Variation ID: 125673). Based on the evidence outlined above, the variant was classified as likely benign.

Labcorp Genetics (formerly Invitae), Labcorp
Classification: Likely benign for Hereditary breast ovarian cancer syndrome. Last evaluated: 2025-12-15. Review status: criteria provided, single submitter. Criteria: Invitae Variant Classification Sherloc (09022015). Collection method: clinical testing. Allele origin: germline. Not counted in ClinVar's aggregate classification.

Center for Genomic Medicine, Rigshospitalet, Copenhagen University Hospital
Classification: Benign. Last evaluated: 2025-03-04. Review status: criteria provided, single submitter. Criteria: ACMG Guidelines, 2015. Collection method: clinical testing. Allele origin: germline. Not counted in ClinVar's aggregate classification.

All of Us Research Program, National Institutes of Health
Classification: Likely benign for Breast-ovarian cancer, familial, susceptibility to, 1. Last evaluated: 2023-08-23. Review status: criteria provided, single submitter. Criteria: ACMG Guidelines, 2015. Collection method: clinical testing. Allele origin: germline. Inheritance: Autosomal dominant inheritance. Observed: 5 variant alleles, 5 heterozygotes. Not counted in ClinVar's aggregate classification.
Comment: This study involves interpretation of variants in research participants for the purpose of population health screening. Participant phenotype was not available at the time of variant classification. Additional details can be found in publication PMID: 35346344, PMCID: PMC8962531

KCCC/NGS Laboratory, Kuwait Cancer Control Center
Classification: Benign for Breast-ovarian cancer, familial, susceptibility to, 1. Last evaluated: 2023-07-07. Review status: criteria provided, single submitter. Criteria: ACMG Guidelines, 2015. Collection method: clinical testing. Allele origin: germline. Affected: yes. Not counted in ClinVar's aggregate classification.

ARUP Laboratories, Molecular Genetics and Genomics, ARUP Laboratories
Classification: Benign. Last evaluated: 2022-01-25. Review status: criteria provided, single submitter. Criteria: ARUP Molecular Germline Variant Investigation Process 2021. Collection method: clinical testing. Allele origin: germline. Not counted in ClinVar's aggregate classification.

Blueprint Genetics
Classification: Likely benign. Last evaluated: 2021-09-10. Review status: criteria provided, single submitter. Criteria: ACMG Guidelines, 2015. Collection method: clinical testing. Allele origin: germline. Not counted in ClinVar's aggregate classification.

Sema4
Classification: Likely benign for Hereditary cancer-predisposing syndrome. Last evaluated: 2021-06-01. Review status: criteria provided, single submitter. Criteria: Sema4 Curation Guidelines. Collection method: curation. Allele origin: germline. Not counted in ClinVar's aggregate classification.

Color Diagnostics, LLC DBA Color Health
Classification: Likely benign for Hereditary cancer-predisposing syndrome. Last evaluated: 2017-11-02. Review status: criteria provided, single submitter. Criteria: ACMG Guidelines, 2015. Collection method: clinical testing. Allele origin: germline. Not counted in ClinVar's aggregate classification.

Molecular Genetics Laboratory, University of Michigan
Classification: Likely benign for Breast-ovarian cancer, familial, susceptibility to, 1. Last evaluated: 2016-04-21. Review status: criteria provided, single submitter. Criteria: ACMG Guidelines, 2015. Collection method: clinical testing. Allele origin: germline. Affected: yes. Not counted in ClinVar's aggregate classification.

GeneDx
Classification: Benign. Last evaluated: 2015-03-03. Review status: criteria provided, single submitter. Criteria: GeneDx Variant Classification Process June 2021. Collection method: clinical testing. Allele origin: germline. Affected: yes. Not counted in ClinVar's aggregate classification.
Comment: This variant is associated with the following publications: (PMID: 17924331, 21990134)

Counsyl
Classification: Likely benign for Breast-ovarian cancer, familial, susceptibility to, 1. Last evaluated: 2017-07-14. Review status: no assertion criteria provided. Collection method: clinical testing. Allele origin: unknown. Not counted in ClinVar's aggregate classification.

Breast Cancer Information Core (BIC) (BRCA1)
Classification: Uncertain significance for Breast-ovarian cancer, familial 1. Last evaluated: 2003-12-23. Review status: no assertion criteria provided. Collection method: clinical testing. Allele origin: germline. Affected: yes. Observed: 2 variant alleles. Not counted in ClinVar's aggregate classification.

Clinical Genetics DNA and cytogenetics Diagnostics Lab, Erasmus MC, Erasmus Medical Center
Classification: Benign. Review status: no assertion criteria provided. Collection method: clinical testing. Allele origin: germline. Affected: yes. Study: VKGL Data-share Consensus. Not counted in ClinVar's aggregate classification.

Department of Pathology and Laboratory Medicine, Sinai Health System
Classification: Likely benign for Malignant tumor of breast. Review status: no assertion criteria provided. Collection method: clinical testing. Allele origin: unknown. Affected: yes. Study: The Canadian Open Genetics Repository (COGR). Not counted in ClinVar's aggregate classification.
Comment: The BRCA1 c.4097-11T>C variant was identified in 2 of 114056 proband chromosomes (frequency: 0.00002) from individuals or families with breast cancer (Borg 2010, Judkins 2005). The variant was also identified in dbSNP (ID: rs80358072) as "With Likely benign allele", ClinVar (classified as benign by ENIGMA; as likely benign by Invitae and four other submitters; and as uncertain significance by BIC), and in LOVD 3.0 (3x).The variant was not identified in UMD-LSDB. The variant was identified in control databases in 1 of 236832 chromosomes at a frequency of 0.000004 (Genome Aggregation Database Feb 27, 2017). The variant was observed in the East Asian population in 1 of 16956 chromosomes (freq: 0.00006), while the variant was not observed in the African, Other, Latino, European, Ashkenazi Jewish, Finnish, or South Asian populations. One study by demonstrated that the variant has no effect on splicing in vitro (Houdayer 2012). The c.4097-11T>C variant is located in the 3' splice region but does not affect the invariant -1 and -2 positions. However, positions -3 and -5 to -12 are part of the splicing consensus sequence and variants involving these positions sometimes affect splicing. However, in silico or computational prediction software programs (SpliceSiteFinder, MaxEntScan, NNSPLICE, GeneSplicer) do not predict a difference in splicing. In summary, based on the above information, the clinical significance of this variant cannot be determined with certainty at this time although we would lean towards a more benign role for this variant. This variant is classified as likely benign.

Joint Genome Diagnostic Labs from Nijmegen and Maastricht, Radboudumc and MUMC+
Classification: Benign. Review status: no assertion criteria provided. Collection method: clinical testing. Allele origin: germline. Affected: yes. Study: VKGL Data-share Consensus. Not counted in ClinVar's aggregate classification.

Literature cited by the submitters: PubMed 21990134 (cited by 3 submitters); PubMed 16267036 (cited by Women's Health and Genetics/Laboratory Corporation of America, LabCorp); PubMed 20104584 (cited by Women's Health and Genetics/Laboratory Corporation of America, LabCorp and Counsyl); PubMed 17924331 (cited by Women's Health and Genetics/Laboratory Corporation of America, LabCorp and Counsyl); PubMed 21520273 (cited by Women's Health and Genetics/Laboratory Corporation of America, LabCorp); PubMed 22505045 (cited by Women's Health and Genetics/Laboratory Corporation of America, LabCorp and Counsyl); PubMed 21218378 (cited by Women's Health and Genetics/Laboratory Corporation of America, LabCorp); PubMed 21523855 (cited by Women's Health and Genetics/Laboratory Corporation of America, LabCorp); PubMed 29750258 (cited by Women's Health and Genetics/Laboratory Corporation of America, LabCorp); PubMed 28726806 (cited by Women's Health and Genetics/Laboratory Corporation of America, LabCorp); PubMed 32126153 (cited by Women's Health and Genetics/Laboratory Corporation of America, LabCorp); PubMed 34235180 (cited by Women's Health and Genetics/Laboratory Corporation of America, LabCorp).

NM_007294.4(BRCA1):c.4097-11T>C

Gene: BRCA1 (BRCA1 DNA repair associated; minus strand). Cytogenetic location: 17q21.31.
Variant type: single nucleotide variant.
Coding change: c.4097-11T>C on transcript NM_007294.4 (MANE Select); 11 bases into the intron before coding-DNA position 4097, T replaced by C.
Molecular consequence: intron variant.
Genome position (GRCh38, 1-based): chr17:43,091,043, A>G on the plus strand (T>C on the coding strand, the complement: BRCA1 is on the minus strand). VCF-style: chr17-43091043-A-G. GRCh37 (hg19) VCF-style: chr17-41243060-A-G.
Other names: IVS11-11T>C; c.4097-11T>C (NM_007300.3, NM_001407859.1, NM_001407620.1 and 31 more transcripts); c.3884-11T>C (NM_001407917.1, NM_001407897.1, NM_001407898.1 and 9 more transcripts); c.644-11T>C (NM_001408462.1, NM_001408470.1, NM_001408464.1 and 3 more transcripts); c.3887-11T>C (NM_001407902.1, NM_001407908.1, NM_001407882.1 and 13 more transcripts); c.710-11T>C (NM_001408414.1, NM_001408411.1, NM_001408415.1 and 2 more transcripts); c.4019-11T>C (NM_001407655.1, NM_001407656.1, NM_001407657.1 and 4 more transcripts); c.3761-11T>C (NM_001407956.1, NM_001407958.1, NM_001407955.1 and 1 more transcripts); and 42 more.
Identifiers: ClinVar variation 125673 (VCV000125673.46), dbSNP rs80358072, ClinGen allele CA002622.